The following is an entry in ClinVar:

NM_025243.4(SLC19A3):c.1175_1176insAAACATAAATCAGATTGCATAAA (p.Phe392delinsLeuAsnIleAsnGlnIleAlaTer)

Gene: SLC19A3 (solute carrier family 19 member 3; minus strand). Cytogenetic location: 2q36.3.
Variant type: Insertion.
Coding change: c.1175_1176insAAACATAAATCAGATTGCATAAA on transcript NM_025243.4 (MANE Select); coding-DNA positions 1175 to 1176, AAACATAAATCAGATTGCATAAA inserted.
Protein change: p.Phe392delinsLeuAsnIleAsnGlnIleAlaTer.
Molecular consequence: nonsense.
Genome position: GRCh38 VCF-style: chr2-227688304-A-ATTTATGCAATCTGATTTATGTTT. GRCh37 (hg19) VCF-style: chr2-228553020-A-ATTTATGCAATCTGATTTATGTTT.
Other names: c.1175_1176insAAACATAAATCAGATTGCATAAA, p.Phe392delinsLeuAsnIleAsnGlnIleAlaTer (NM_001371411.1, NM_001371412.1); c.1163_1164insAAACATAAATCAGATTGCATAAA, p.Phe388delinsLeuAsnIleAsnGlnIleAlaTer (NM_001371413.1, NM_001371414.1).
Identifiers: ClinVar variation 3639413 (VCV003639413.2).

ClinVar aggregate classification (germline): Pathogenic (1 of 4 stars; one submission).

Conditions:
Biotin-responsive basal ganglia disease (BTBGD). Also called: Thiamine metabolism dysfunction syndrome type 2; Thiamine metabolism dysfunction syndrome 2 (biotin- or thiamine-responsive encephalopathy type 2); thiamine-responsive encephalopathy; Thiamine Transporter-2 Deficiency; THIAMINE METABOLISM DYSFUNCTION SYNDROME 2 (BIOTIN- AND THIAMINE-RESPONSIVE TYPE). Identifiers: Orphanet 199348, Orphanet 65284, MedGen C1843807, MONDO:0011841, OMIM 607483.

Submission:

Labcorp Genetics (formerly Invitae), Labcorp
Classification: Pathogenic for Biotin-responsive basal ganglia disease. Last evaluated: 2024-02-07. Review status: criteria provided, single submitter. Criteria: Invitae Variant Classification Sherloc (09022015). Collection method: clinical testing. Allele origin: germline.
Comment: This sequence change creates a premature translational stop signal (p.Phe392Leufs*8) in the SLC19A3 gene. It is expected to result in an absent or disrupted protein product. Loss-of-function variants in SLC19A3 are known to be pathogenic (PMID: 23423671, 23482991). This variant is not present in population databases (gnomAD no frequency). This variant has not been reported in the literature in individuals affected with SLC19A3-related conditions. For these reasons, this variant has been classified as Pathogenic.

Literature cited by the submitters: PubMed 23423671; PubMed 23482991.